The following is an entry in ClinVar:

ClinVar aggregate classification (germline): Uncertain significance (1 of 4 stars; one submission).

Conditions:
Pitt-Hopkins syndrome (PTHS). Also called: ENCEPHALOPATHY, SEVERE EPILEPTIC, WITH AUTONOMIC DYSFUNCTION; MENTAL RETARDATION, SYNDROMAL, WITH INTERMITTENT HYPERVENTILATION. Identifiers: Orphanet 2896, MedGen C1970431, MONDO:0012589, OMIM 610954.

gnomAD v4.1: 1 of 1,613,434 alleles (0.000062%); highest among the groups gnomAD compares: South Asian, 0.0011%; no homozygotes.

Submission:

Labcorp Genetics (formerly Invitae), Labcorp
Classification: Uncertain significance for Pitt-Hopkins syndrome. Last evaluated: 2024-08-05. Review status: criteria provided, single submitter. Criteria: Invitae Variant Classification Sherloc (09022015). Collection method: clinical testing. Allele origin: germline.
Comment: This sequence change replaces serine, which is neutral and polar, with arginine, which is basic and polar, at codon 163 of the TCF4 protein (p.Ser163Arg). This variant is not present in population databases (gnomAD no frequency). This variant has not been reported in the literature in individuals affected with TCF4-related conditions. Advanced modeling of protein sequence and biophysical properties (such as structural, functional, and spatial information, amino acid conservation, physicochemical variation, residue mobility, and thermodynamic stability) performed at Invitae indicates that this missense variant is not expected to disrupt TCF4 protein function with a negative predictive value of 95%. In summary, the available evidence is currently insufficient to determine the role of this variant in disease. Therefore, it has been classified as a Variant of Uncertain Significance.

NM_001083962.2(TCF4):c.489T>A (p.Ser163Arg)

Gene: TCF4 (transcription factor 4; minus strand). Cytogenetic location: 18q21.2.
Variant type: single nucleotide variant.
Coding change: c.489T>A on transcript NM_001083962.2 (MANE Select); coding-DNA position 489, T replaced by A.
Protein change: p.Ser163Arg; replaces serine 163 with arginine.
Molecular consequence: missense variant.
Genome position (GRCh38, 1-based): chr18:55,350,884, A>T on the plus strand (T>A on the coding strand, the complement: TCF4 is on the minus strand). VCF-style: chr18-55350884-A-T. GRCh37 (hg19) VCF-style: chr18-53018115-A-T.
Other names: c.795T>A, p.Ser265Arg (NM_001243226.3); c.417T>A, p.Ser139Arg (NM_001243227.2, NM_001306207.1, NM_001369575.1 and 9 more transcripts); c.489T>A, p.Ser163Arg (NM_001243228.2, NM_001330604.3, NM_001369572.1 and 5 more transcripts); c.483T>A, p.Ser161Arg (NM_001243230.2); c.363T>A, p.Ser121Arg (NM_001243231.2, NM_001348211.2); c.276T>A, p.Ser92Arg (NM_001243232.1, NM_001306208.1); c.99T>A, p.Ser33Arg (NM_001243233.2, NM_001330605.3, NM_001348212.2 and 1 more transcripts); c.486T>A, p.Ser162Arg (NM_001369573.1, NM_001369569.1, NM_001369570.1); and 1 more; short protein forms S138R, S163R, S33R, S161R, S162R, S265R, S92R, S121R.
Identifiers: ClinVar variation 3637595 (VCV003637595.2).